The following is an entry in ClinVar:

NM_000059.4(BRCA2):c.3842A>C (p.Lys1281Thr)

Gene: BRCA2 (BRCA2 DNA repair associated; plus strand). Cytogenetic location: 13q13.1.
Variant type: single nucleotide variant.
Coding change: c.3842A>C on transcript NM_000059.4 (MANE Select); coding-DNA position 3842, A replaced by C.
Protein change: p.Lys1281Thr; replaces lysine 1281 with threonine.
Molecular consequence: missense variant.
Genome position (GRCh38, 1-based): chr13:32,338,197, A>C. VCF-style: chr13-32338197-A-C. GRCh37 (hg19) VCF-style: chr13-32912334-A-C.
Other names: c.3842A>C, p.Lys1281Thr (NM_001406719.1, NM_001406720.1); short protein forms K1281T.
Identifiers: ClinVar variation 1735444 (VCV001735444.4), dbSNP rs2137500507, ClinGen allele CA387778577.

ClinVar aggregate classification (germline): Conflicting classifications of pathogenicity. Review status: criteria provided, conflicting classifications (1 of 4 stars). 2 submissions from 2 submitters: Uncertain significance (1); Likely benign (1). Last evaluated 2023-03-23.

Conditions:
Hereditary cancer-predisposing syndrome. Also called: Neoplastic Syndromes, Hereditary; Tumor predisposition; Hereditary Cancer Syndrome; Hereditary neoplastic syndrome. Identifiers: Orphanet 140162, MedGen C0027672, MeSH D009386, MONDO:0015356.

Submissions (2):

University of Washington Department of Laboratory Medicine, University of Washington
Classification: Likely benign for Hereditary cancer-predisposing syndrome. Last evaluated: 2023-03-23. Review status: criteria provided, single submitter. Criteria: Dines et al. (Genet Med. 2020). Collection method: curation. Allele origin: germline.
Comment: Missense variant in a coldspot region where missense variants are very unlikely to be pathogenic (PMID:31911673).

BRCA2 exon 11 coldspot. Reclassification based on statistical prior probability.

Ambry Genetics
Classification: Uncertain significance for Hereditary cancer-predisposing syndrome. Last evaluated: 2022-10-13. Review status: criteria provided, single submitter. Criteria: Ambry Variant Classification Scheme 2023. Collection method: clinical testing. Allele origin: germline.
Comment: The p.K1281T variant (also known as c.3842A>C), located in coding exon 10 of the BRCA2 gene, results from an A to C substitution at nucleotide position 3842. The lysine at codon 1281 is replaced by threonine, an amino acid with similar properties. This amino acid position is conserved. In addition, this alteration is predicted to be tolerated by in silico analysis. Since supporting evidence is limited at this time, the clinical significance of this alteration remains unclear.